The following is an entry in ClinVar:

NM_004699.4(FAM50A):c.804C>T (p.Ile268=)

Gene: FAM50A (family with sequence similarity 50 member A; plus strand). Cytogenetic location: Xq28.
Variant type: single nucleotide variant.
Coding change: c.804C>T on transcript NM_004699.4 (MANE Select); coding-DNA position 804, C replaced by T.
Protein change: p.Ile268=; no amino-acid change (isoleucine 268 retained).
Molecular consequence: synonymous variant.
Genome position (GRCh38, 1-based): chrX:154,449,906, C>T. VCF-style: chrX-154449906-C-T. GRCh37 (hg19) VCF-style: chrX-153678254-C-T.
Identifiers: ClinVar variation 3257084 (VCV003257084.17).

ClinVar aggregate classification (germline): Likely benign (1 of 4 stars; one submission).

gnomAD v4.1: 246 of 1,209,614 alleles (0.02%); highest among the groups gnomAD compares: Non-Finnish European, 0.024%; no homozygotes.

Submission:

CeGaT Center for Human Genetics Tuebingen
Classification: Likely benign. Last evaluated: 2024-07-01. Review status: criteria provided, single submitter. Criteria: CeGaT Center For Human Genetics Tuebingen Variant Classification Criteria Version 2. Collection method: clinical testing. Allele origin: germline. Affected: yes. Observed: 1 variant allele.
Comment: FAM50A: BP4, BP7, BS2